The following is an entry in ClinVar:

NM_000064.4(C3):c.1648T>C (p.Ser550Pro)

Gene: C3 (complement C3; minus strand). Cytogenetic location: 19p13.3.
Variant type: single nucleotide variant.
Coding change: c.1648T>C on transcript NM_000064.4 (MANE Select); coding-DNA position 1648, T replaced by C.
Protein change: p.Ser550Pro; replaces serine 550 with proline.
Molecular consequence: missense variant.
Genome position (GRCh38, 1-based): chr19:6,710,677, A>G on the plus strand (T>C on the coding strand, the complement: C3 is on the minus strand). VCF-style: chr19-6710677-A-G. GRCh37 (hg19) VCF-style: chr19-6710688-A-G.
Other names: short protein forms S550P.
Identifiers: ClinVar variation 4280292 (VCV004280292.1).
Genomic context (GRCh38, chr19:6,710,677, plus strand): 5'-AGCGAGCCCAGGGCACACTTACCGAGCCCACGCAGGAGTCCTTGACGTCCACCCACACGG[A>G]GTCGGCCACCACCTCCCTCTGGCCGCTGGCACCGATCAGCGTGTAGTACGCCACCAGGCG-3'
Protein context (NP_000055.2, residues 540-560): ASGQREVVAD[Ser550Pro]VWVDVKDSCV

ClinVar aggregate classification (germline): Likely pathogenic (1 of 4 stars; one submission).

Conditions:
Complement component 3 deficiency. Identifiers: Orphanet 280133, MedGen C3151071, MONDO:0013417, OMIM 613779.

gnomAD v4.1: 1 of 1,613,348 alleles (0.000062%); highest among the groups gnomAD compares: East Asian, 0.0022%; no homozygotes.

Submission:

Genomenon, Inc
Classification: Likely pathogenic for Complement component 3 deficiency. Last evaluated: 2025-09-30. Review status: criteria provided, single submitter. Criteria: Genomenon Sequence Variant Interpretation Standards. Collection method: curation. Allele origin: germline. Affected: yes.
Comment: C3 p.Ser550Pro (c.1648T>C) is a missense variant that changes the amino acid at residue 550 from Serine to Proline. This variant has been observed in at least one proband affected with C3 deficiency (PMID:18802120;24315997). It has been observed in trans with a pathogenic/likely pathogenic variant (PMID:18802120;24315997). It is absent or not present at a significant frequency in gnomAD. In silico models agree that this variant is possibly or probably damaging. In conclusion, we classify C3 p.Ser550Pro (c.1648T>C) as a likely pathogenic variant.

Literature cited by the submitters: PubMed 18802120; PubMed 24315997.